The following is an entry in ClinVar:

NM_001267550.2(TTN):c.62194_62195insAA (p.Arg20732fs)

Genes: TTN (titin; minus strand), TTN-AS1 (TTN antisense RNA 1; plus strand). Cytogenetic location: 2q31.2.
Variant type: Insertion.
Coding change: c.62194_62195insAA on transcript NM_001267550.2 (MANE Select); coding-DNA positions 62194 to 62195, AA inserted.
Protein change: p.Arg20732fs; shifts the reading frame from arginine 20732.
Molecular consequence: frameshift variant.
Genome position: GRCh38 VCF-style: chr2-178589530-C-CTT. GRCh37 (hg19) VCF-style: chr2-179454257-C-CTT.
Other names: c.57271_57272insAA, p.Arg19091fs (NM_001256850.1); c.34999_35000insAA, p.Arg11667fs (NM_003319.4); c.54490_54491insAA, p.Arg18164fs (NM_133378.4); c.35374_35375insAA, p.Arg11792fs (NM_133432.3); c.35575_35576insAA, p.Arg11859fs (NM_133437.4); c.62194_62195insAA (NM_001267550.1); short protein forms R11859fs, R19091fs, R11792fs, R18164fs, R11667fs, R20732fs.
Identifiers: ClinVar variation 817154 (VCV000817154.3), dbSNP rs1576072384, ClinGen allele CA915942220.

ClinVar aggregate classification (germline): Pathogenic (1 of 4 stars; one submission).

Submission:

GeneDx
Classification: Pathogenic. Last evaluated: 2025-01-17. Review status: criteria provided, single submitter. Criteria: GeneDx Variant Classification Process June 2021. Collection method: clinical testing. Allele origin: germline. Affected: yes.
Comment: Has not been previously published as pathogenic or benign to our knowledge; Not observed at significant frequency in large population cohorts (gnomAD); Frameshift variant predicted to result in protein truncation or nonsense mediated decay in a gene for which loss of function is a known mechanism of disease; This variant is associated with the following publications: (PMID: 32778822, 22335739)